The following is an entry in ClinVar:

ClinVar aggregate classification (germline): Uncertain significance (1 of 4 stars; one submission).

Allele frequency attached by ClinVar (database versions not stated): gnomAD exomes 0.00001; gnomAD 0.00005; TOPMed 0.00005; ExAC 0.00017; 1000 Genomes Project 30x 0.00078; 1000 Genomes Project 0.00100.

Submission:

Labcorp Genetics (formerly Invitae), Labcorp
Classification: Uncertain significance. Last evaluated: 2024-12-10. Review status: criteria provided, single submitter. Criteria: Invitae Variant Classification Sherloc (09022015). Collection method: clinical testing. Allele origin: germline.
Comment: This sequence change replaces threonine, which is neutral and polar, with alanine, which is neutral and non-polar, at codon 310 of the GUF1 protein (p.Thr310Ala). This variant is present in population databases (rs532200676, gnomAD 0.2%), and has an allele count higher than expected for a pathogenic variant. This variant has not been reported in the literature in individuals affected with GUF1-related conditions. ClinVar contains an entry for this variant (Variation ID: 2958642). Invitae Evidence Modeling of protein sequence and biophysical properties (such as structural, functional, and spatial information, amino acid conservation, physicochemical variation, residue mobility, and thermodynamic stability) indicates that this missense variant is not expected to disrupt GUF1 protein function with a negative predictive value of 80%. In summary, the available evidence is currently insufficient to determine the role of this variant in disease. Therefore, it has been classified as a Variant of Uncertain Significance.

NM_021927.3(GUF1):c.928A>G (p.Thr310Ala)

Gene: GUF1 (GTP binding elongation factor GUF1; plus strand). Cytogenetic location: 4p12.
Variant type: single nucleotide variant.
Coding change: c.928A>G on transcript NM_021927.3 (MANE Select); coding-DNA position 928, A replaced by G.
Protein change: p.Thr310Ala; replaces threonine 310 with alanine.
Molecular consequence: missense variant. On other transcripts: 5 prime UTR variant (2).
Genome position (GRCh38, 1-based): chr4:44,686,703, A>G. VCF-style: chr4-44686703-A-G. GRCh37 (hg19) VCF-style: chr4-44688720-A-G.
Other names: c.-45A>G (NM_001345867.2, NM_001345869.2); c.928A>G, p.Thr310Ala (NM_001345868.2); short protein forms T310A.
Identifiers: ClinVar variation 2958642 (VCV002958642.3), dbSNP rs532200676, ClinGen allele CA2905469.
Genomic context (GRCh38, chr4:44,686,703, plus strand): 5'-CATACTCAAAAGACATACGAAGTTAATGAAGTAGGAGTCTTGAATCCTAATGAGCAGCCA[A>G]CTCATAAATTGTAAGTAATCTGCATTAGTAAAATTAAAATGCATTTGTATGTGGTTCTAT-3'
Protein context (NP_068746.2, residues 300-320): VGVLNPNEQP[Thr310Ala]HKLYAGQVGY